The following is an entry in ClinVar:

ClinVar aggregate classification (germline): Uncertain significance (1 of 4 stars; one submission).

Allele frequency attached by ClinVar (database versions not stated): TOPMed below 0.00001; gnomAD 0.00001; ExAC 0.00002.
gnomAD v4.1: 42 of 1,612,614 alleles (0.0026%); highest among the groups gnomAD compares: Non-Finnish European, 0.0034%; no homozygotes.

Submission:

Labcorp Genetics (formerly Invitae), Labcorp
Classification: Uncertain significance. Last evaluated: 2025-11-12. Review status: criteria provided, single submitter. Criteria: Invitae Variant Classification Sherloc (09022015). Collection method: clinical testing. Allele origin: germline.
Comment: This sequence change replaces valine, which is neutral and non-polar, with alanine, which is neutral and non-polar, at codon 560 of the CLCN7 protein (p.Val560Ala). This variant is present in population databases (rs767717748, gnomAD 0.005%). This variant has not been reported in the literature in individuals affected with CLCN7-related conditions. ClinVar contains an entry for this variant (Variation ID: 1931126). An algorithm developed to predict the effect of missense changes on protein structure and function (PolyPhen-2) suggests that this variant is likely to be disruptive. In summary, the available evidence is currently insufficient to determine the role of this variant in disease. Therefore, it has been classified as a Variant of Uncertain Significance.

NM_001287.6(CLCN7):c.1679T>C (p.Val560Ala)

Gene: CLCN7 (chloride voltage-gated channel 7; minus strand). Cytogenetic location: 16p13.3.
Variant type: single nucleotide variant.
Coding change: c.1679T>C on transcript NM_001287.6 (MANE Select); coding-DNA position 1679, T replaced by C.
Protein change: p.Val560Ala; replaces valine 560 with alanine.
Molecular consequence: missense variant.
Genome position (GRCh38, 1-based): chr16:1,449,084, A>G on the plus strand (T>C on the coding strand, the complement: CLCN7 is on the minus strand). VCF-style: chr16-1449084-A-G. GRCh37 (hg19) VCF-style: chr16-1499085-A-G.
Other names: c.1607T>C, p.Val536Ala (NM_001114331.3); short protein forms V560A, V536A.
Identifiers: ClinVar variation 1931126 (VCV001931126.5), dbSNP rs767717748, ClinGen allele CA7810106.
Genomic context (GRCh38, chr16:1,449,084, plus strand): 5'-CCGTAGGTCACGTTGCTGGTGGCCTCCATCATGATGACGGTCAGGCTCAGTGTCATCCGC[A>G]CAATCCCGCCTGCGGGAGCCATCATGAACCCCAGCACGTCCACCCTCCTGGCTCAGGGTC-3'
Protein context (NP_001278.1, residues 550-570): MGAAAQLGGI[Val560Ala]RMTLSLTVIM